The following is an entry in ClinVar:

ClinVar aggregate classification (germline): Uncertain significance. Review status: criteria provided, multiple submitters, no conflicts (2 of 4 stars). 2 submissions from 2 submitters: Uncertain significance (2). Last evaluated 2025-10-05.

gnomAD v4.1: 13 of 1,613,894 alleles (0.00081%); highest among the groups gnomAD compares: South Asian, 0.014%; no homozygotes.

Submissions (2):

Labcorp Genetics (formerly Invitae), Labcorp
Classification: Uncertain significance. Last evaluated: 2025-10-05. Review status: criteria provided, single submitter. Criteria: Invitae Variant Classification Sherloc (09022015). Collection method: clinical testing. Allele origin: germline.
Comment: This sequence change replaces arginine, which is basic and polar, with serine, which is neutral and polar, at codon 569 of the NIN protein (p.Arg569Ser). This variant is present in population databases (rs760849349, gnomAD 0.03%). This variant has not been reported in the literature in individuals affected with NIN-related conditions. ClinVar contains an entry for this variant (Variation ID: 3299741). An algorithm developed to predict the effect of missense changes on protein structure and function (PolyPhen-2) suggests that this variant is likely to be disruptive. In summary, the available evidence is currently insufficient to determine the role of this variant in disease. Therefore, it has been classified as a Variant of Uncertain Significance.

Ambry Genetics
Classification: Uncertain significance. Last evaluated: 2024-04-08. Review status: criteria provided, single submitter. Criteria: Ambry Variant Classification Scheme 2023. Collection method: clinical testing. Allele origin: germline.

NM_020921.4(NIN):c.1707G>C (p.Arg569Ser)

Gene: NIN (ninein; minus strand). Cytogenetic location: 14q22.1.
Variant type: single nucleotide variant.
Coding change: c.1707G>C on transcript NM_020921.4 (MANE Select); coding-DNA position 1707, G replaced by C.
Protein change: p.Arg569Ser; replaces arginine 569 with serine.
Molecular consequence: missense variant.
Genome position (GRCh38, 1-based): chr14:50,763,893, C>G on the plus strand (G>C on the coding strand, the complement: NIN is on the minus strand). VCF-style: chr14-50763893-C-G. GRCh37 (hg19) VCF-style: chr14-51230611-C-G.
Other names: c.1707G>C, p.Arg569Ser (NM_016350.5, NM_182944.3, NM_182946.2); short protein forms R569S.
Identifiers: ClinVar variation 3299741 (VCV003299741.2).
Genomic context (GRCh38, chr14:50,763,893, plus strand): 5'-GGGCTCAATGCCACCGCTGTTAGCCTCAACTTCTTCTGACGGTGAGTTCTTCAACGGAAG[C>G]CTGAGCACTCTGCCTTGTGCACGATATTCTTCCAGCTCAGACTGGAGTTCATCTACTTGG-3'
Protein context (NP_065972.4, residues 559-579): EEYRAQGRVL[Arg569Ser]LPLKNSPSEE